The following is an entry in ClinVar:

ClinVar aggregate classification (germline): Uncertain significance. Review status: criteria provided, multiple submitters, no conflicts (2 of 4 stars). 2 submissions from 2 submitters: Uncertain significance (2). Last evaluated 2026-01-16.

Conditions:
Cardiovascular phenotype. Identifiers: MedGen CN230736.

Allele frequency attached by ClinVar (database versions not stated): ExAC 0.00001; TOPMed 0.00002.
gnomAD v4.1: 30 of 1,613,660 alleles (0.0019%); highest among the groups gnomAD compares: African/African-American, 0.0067%; no homozygotes.

Submissions (2):

Women's Health and Genetics/Laboratory Corporation of America, LabCorp
Classification: Uncertain significance. Last evaluated: 2026-01-16. Review status: criteria provided, single submitter. Criteria: LabCorp Variant Classification Summary - May 2015. Collection method: clinical testing. Allele origin: germline.
Comment: Variant summary: TNXB c.6455G>A (p.Gly2152Asp) results in a non-conservative amino acid change in the encoded protein sequence. Algorithms developed to predict the effect of missense changes on protein structure and function are either unavailable or do not agree on the potential impact of this missense change. The variant allele was found at a frequency of 4e-06 in 248952 control chromosomes. The available data on variant occurrences in the general population are insufficient to allow any conclusion about variant significance. To our knowledge, no occurrence of c.6455G>A in individuals affected with TNXB-related conditions and no experimental evidence demonstrating its impact on protein function have been reported. ClinVar contains an entry for this variant (Variation ID: 1753621). Based on the evidence outlined above, the variant was classified as uncertain significance.

Ambry Genetics
Classification: Uncertain significance for Cardiovascular phenotype. Last evaluated: 2025-07-15. Review status: criteria provided, single submitter. Criteria: Ambry Variant Classification Scheme 2023. Collection method: clinical testing. Allele origin: germline.
Comment: The p.G2152D variant (also known as c.6455G>A), located in coding exon 17 of the TNXB gene, results from a G to A substitution at nucleotide position 6455. The glycine at codon 2152 is replaced by aspartic acid, an amino acid with similar properties. This amino acid position is conserved. In addition, this alteration is predicted to be tolerated by in silico analysis. Since supporting evidence is limited at this time, the clinical significance of this alteration remains unclear.

NM_001365276.2(TNXB):c.6455G>A (p.Gly2152Asp)

Gene: TNXB (tenascin XB; minus strand). Cytogenetic location: 6p21.33.
Variant type: single nucleotide variant.
Coding change: c.6455G>A on transcript NM_001365276.2 (MANE Select); coding-DNA position 6455, G replaced by A.
Protein change: p.Gly2152Asp; replaces glycine 2152 with aspartic acid.
Molecular consequence: missense variant.
Genome position (GRCh38, 1-based): chr6:32,067,750, C>T on the plus strand (G>A on the coding strand, the complement: TNXB is on the minus strand). VCF-style: chr6-32067750-C-T. GRCh37 (hg19) VCF-style: chr6-32035527-C-T.
Other names: c.6455G>A, p.Gly2152Asp (NM_019105.8); short protein forms G2152D.
Identifiers: ClinVar variation 1753621 (VCV001753621.4), dbSNP rs763266186, ClinGen allele CA3734427.
Genomic context (GRCh38, chr6:32,067,750, plus strand): 5'-ACGCGCCGCCCCTCGTGGAGGCCGTACAGGTGCATCTTGTACTTGCGCCCAGGCTCCAGG[C>T]CCCCCACGGTGACTTCACTCTCCTCGCCCCCAACACGCACCACCTGGGGCCGCCCGTCCC-3'
Protein context (NP_001352205.1, residues 2142-2162): GGEESEVTVG[Gly2152Asp]LEPGRKYKMH